The following is an entry in ClinVar:

ClinVar aggregate classification (germline): Uncertain significance. Review status: criteria provided, multiple submitters, no conflicts (2 of 4 stars). 2 submissions from 2 submitters: Uncertain significance (2). Last evaluated 2019-03-19.

Conditions:
Glycine encephalopathy. Also called: Nonketotic hyperglycinemia; Non-ketotic hyperglycinemia. Identifiers: Orphanet 407, MedGen C0751748, MONDO:0011612, HP:0008288.

Allele frequency attached by ClinVar (database versions not stated): gnomAD 0.00001; TOPMed 0.00002.

Submissions (2):

Labcorp Genetics (formerly Invitae), Labcorp
Classification: Uncertain significance for Glycine encephalopathy. Last evaluated: 2019-03-19. Review status: criteria provided, single submitter. Criteria: Invitae Variant Classification Sherloc (09022015). Collection method: clinical testing. Allele origin: germline.
Comment: This variant has not been reported in the literature in individuals with GCSH-related conditions. The frequency data for this variant in the population databases is considered unreliable, as metrics indicate insufficient coverage at this position in the ExAC database. This sequence change replaces arginine with cysteine at codon 17 of the GCSH protein (p.Arg17Cys). The arginine residue is weakly conserved and there is a large physicochemical difference between arginine and cysteine. Algorithms developed to predict the effect of missense changes on protein structure and function (SIFT, PolyPhen-2, Align-GVGD) all suggest that this variant is likely to be tolerated, but these predictions have not been confirmed by published functional studies and their clinical significance is uncertain. In summary, the available evidence is currently insufficient to determine the role of this variant in disease. Therefore, it has been classified as a Variant of Uncertain Significance. Algorithms developed to predict the effect of sequence changes on RNA splicing suggest that this variant may create or strengthen a splice site, but this prediction has not been confirmed by published transcriptional studies.

Centre for Mendelian Genomics, University Medical Centre Ljubljana
Classification: Uncertain significance for Glycine encephalopathy 1. Last evaluated: 2018-11-16. Review status: criteria provided, single submitter. Criteria: ACMG Guidelines, 2015. Collection method: clinical testing. Allele origin: unknown. Affected: yes.
Comment: This variant was classified as: Uncertain significance. The available evidence on this variant's pathogenicity is insufficient or conflicting. The following ACMG criteria were applied in classifying this variant: PM2,BP4. This variant was detected in homozygous state.

NM_004483.5(GCSH):c.49C>T (p.Arg17Cys)

Genes: GCSH (glycine cleavage system protein H; minus strand), LOC130059495 (ATAC-STARR-seq lymphoblastoid silent region 7751; plus strand). Cytogenetic location: 16q23.2.
Variant type: single nucleotide variant.
Coding change: c.49C>T on transcript NM_004483.5 (MANE Select); coding-DNA position 49, C replaced by T.
Protein change: p.Arg17Cys; replaces arginine 17 with cysteine.
Molecular consequence: missense variant. On other transcripts: non-coding transcript variant (1).
Genome position (GRCh38, 1-based): chr16:81,096,230, G>A on the plus strand (C>T on the coding strand, the complement: GCSH is on the minus strand). VCF-style: chr16-81096230-G-A. GRCh37 (hg19) VCF-style: chr16-81129835-G-A.
Other names: short protein forms R17C.
Identifiers: ClinVar variation 862110 (VCV000862110.13), dbSNP rs967101315, ClinGen allele CA284249685.